The following is an entry in ClinVar:

ClinVar aggregate classification (germline): Uncertain significance (1 of 4 stars; one submission).

Conditions:
Primary ciliary dyskinesia. Also called: Ciliary dyskinesia. Identifiers: Orphanet 244, MedGen C0008780, MONDO:0016575, HP:0012265.

Allele frequency attached by ClinVar (database versions not stated): gnomAD exomes below 0.00001.
gnomAD v4.1: 1 of 1,561,272 alleles (0.000064%); highest among the groups gnomAD compares: Non-Finnish European, 0.000087%; no homozygotes.

Submission:

Ambry Genetics
Classification: Uncertain significance for Primary ciliary dyskinesia. Last evaluated: 2019-12-06. Review status: criteria provided, single submitter. Criteria: Ambry Variant Classification Scheme 2023. Collection method: clinical testing. Allele origin: germline.
Comment: The c.3648+3A>G intronic variant results from an A to G substitution 3 nucleotides after coding exon 18 in the DNAH11 gene. This nucleotide position is not well conserved in available vertebrate species. Using the BDGP and ESEfinder splice site prediction tools, this alteration is not predicted to have any significant effect on this splice donor site; however, direct evidence is unavailable. Since supporting evidence is limited at this time, the clinical significance of this alteration remains unclear.

NM_001277115.2(DNAH11):c.3648+3A>G

Gene: DNAH11 (dynein axonemal heavy chain 11; plus strand). Cytogenetic location: 7p15.3.
Variant type: single nucleotide variant.
Coding change: c.3648+3A>G on transcript NM_001277115.2 (MANE Select); 3 bases into the intron after coding-DNA position 3648, A replaced by G.
Molecular consequence: intron variant.
Genome position (GRCh38, 1-based): chr7:21,601,621, A>G. VCF-style: chr7-21601621-A-G. GRCh37 (hg19) VCF-style: chr7-21641239-A-G.
Identifiers: ClinVar variation 1733563 (VCV001733563.2), dbSNP rs2534637298, ClinGen allele CA2542119160.
Genomic context (GRCh38, chr7:21,601,621, plus strand): 5'-CACCCTCTTGGAAAGCTATGGCCAGAAGATGCCTGAGCAGGTCTATATTCAGCTAGAGGT[A>G]AGTGCAGAGGTGAAATAATCATAATTACCATAAATTGAGCATCTCTTTTATTAAAGTACT-3'